The following is an entry in ClinVar:

NM_024426.6(WT1):c.1141C>T (p.Pro381Ser)

Gene: WT1 (WT1 transcription factor; minus strand). Cytogenetic location: 11p13.
Variant type: single nucleotide variant.
Coding change: c.1141C>T on transcript NM_024426.6 (MANE Select); coding-DNA position 1141, C replaced by T.
Protein change: p.Pro381Ser; replaces proline 381 with serine.
Molecular consequence: missense variant. On other transcripts: 5 prime UTR variant (1), non-coding transcript variant (1).
Genome position (GRCh38, 1-based): chr11:32,396,380, G>A on the plus strand (C>T on the coding strand, the complement: WT1 is on the minus strand). VCF-style: chr11-32396380-G-A. GRCh37 (hg19) VCF-style: chr11-32417926-G-A.
Other names: c.1126C>T (NM_024426.4); c.1090C>T, p.Pro364Ser (NM_000378.6, NM_001407045.1, NM_001407048.1 and 1 more transcripts); c.490C>T, p.Pro164Ser (NM_001198551.2); c.439C>T, p.Pro147Ser (NM_001198552.2); c.-48C>T (NM_001367854.1); c.1135C>T, p.Pro379Ser (NM_001407044.1); c.1141C>T, p.Pro381Ser (NM_001407046.1, NM_024424.5); c.1018C>T, p.Pro340Ser (NM_001407047.1); and 3 more; short protein forms P364S, P379S, P127S, P323S, P359S, P376S, P147S, P164S.
Identifiers: ClinVar variation 1991847 (VCV001991847.5), dbSNP rs754938612, ClinGen allele CA064291.

ClinVar aggregate classification (germline): Conflicting classifications of pathogenicity. Review status: criteria provided, conflicting classifications (1 of 4 stars). 2 submissions from 2 submitters: Uncertain significance (1); Likely benign (1). Last evaluated 2024-08-21.

Conditions:
Wilms tumor 1 (WT1). Also called: Wilms tumor, somatic. Identifiers: Orphanet 654, MedGen CN033288, MONDO:0008679, OMIM 194070.
11p partial monosomy syndrome (WAGR). Also called: WAGR Spectrum Disorder; WAGR syndrome; CHROMOSOME 11p13 DELETION SYNDROME; WAGR Complex. Identifiers: Orphanet 893, MedGen C0206115, MONDO:0008681, OMIM 194072.
Drash syndrome (DDS). Also called: NEPHROPATHY, WILMS TUMOR, AND GENITAL ANOMALIES; WILMS TUMOR AND PSEUDO- OR TRUE HERMAPHRODITISM. Identifiers: Orphanet 220, MedGen C0950121, MONDO:0008682, OMIM 194080.
Frasier syndrome. Identifiers: Orphanet 347, MedGen C0950122, MeSH D052159, MONDO:0007635, OMIM 136680.
Inborn genetic diseases. Identifiers: MedGen C0950123, MeSH D030342.

Allele frequency attached by ClinVar (database versions not stated): gnomAD 0.00001; ExAC 0.00002; gnomAD exomes 0.00003.
gnomAD v4.1: 18 of 1,613,990 alleles (0.0011%); highest among the groups gnomAD compares: South Asian, 0.019%; no homozygotes.

Submissions (2):

Ambry Genetics
Classification: Likely benign for Inborn genetic diseases. Last evaluated: 2024-08-21. Review status: criteria provided, single submitter. Criteria: Ambry Variant Classification Scheme 2023. Collection method: clinical testing. Allele origin: germline.

Labcorp Genetics (formerly Invitae), Labcorp
Classification: Uncertain significance for Wilms tumor 1; Drash syndrome; 11p partial monosomy syndrome; Frasier syndrome. Last evaluated: 2022-02-22. Review status: criteria provided, single submitter. Criteria: Invitae Variant Classification Sherloc (09022015). Collection method: clinical testing. Allele origin: germline.
Comment: In summary, the available evidence is currently insufficient to determine the role of this variant in disease. Therefore, it has been classified as a Variant of Uncertain Significance. This sequence change replaces proline, which is neutral and non-polar, with serine, which is neutral and polar, at codon 376 of the WT1 protein (p.Pro376Ser). This variant is present in population databases (rs754938612, gnomAD 0.02%). This variant has not been reported in the literature in individuals affected with WT1-related conditions. Algorithms developed to predict the effect of missense changes on protein structure and function (SIFT, PolyPhen-2, Align-GVGD) all suggest that this variant is likely to be disruptive.